The following is an entry in ClinVar:

ClinVar aggregate classification (germline): Uncertain significance (1 of 4 stars; one submission).

Conditions:
Emery-Dreifuss muscular dystrophy 4, autosomal dominant (EDMD4). Also called: EMERY-DREIFUSS MUSCULAR DYSTROPHY 4 WITH VARIABLE FEATURES. Identifiers: Orphanet 261, MedGen C2751807, MONDO:0013071, OMIM 612998.
Autosomal recessive ataxia, Beauce type. Also called: Spinocerebellar ataxia, autosomal recessive 8; ATAXIA, RECESSIVE, OF BEAUCE; SYNE1 Deficiency; SYNE1-Related Autosomal Recessive Cerebellar Ataxia. Identifiers: Orphanet 88644, MedGen C1853116, MONDO:0012549, OMIM 610743.

Submission:

Labcorp Genetics (formerly Invitae), Labcorp
Classification: Uncertain significance for Emery-Dreifuss muscular dystrophy 4, autosomal dominant; Autosomal recessive ataxia, Beauce type. Last evaluated: 2022-01-12. Review status: criteria provided, single submitter. Criteria: Invitae Variant Classification Sherloc (09022015). Collection method: clinical testing. Allele origin: germline.
Comment: In summary, the available evidence is currently insufficient to determine the role of this variant in disease. Therefore, it has been classified as a Variant of Uncertain Significance. Algorithms developed to predict the effect of sequence changes on RNA splicing suggest that this variant may create or strengthen a splice site. Algorithms developed to predict the effect of missense changes on protein structure and function (SIFT, PolyPhen-2, Align-GVGD) all suggest that this variant is likely to be tolerated. This variant has not been reported in the literature in individuals affected with SYNE1-related conditions. This variant is not present in population databases (gnomAD no frequency). This sequence change replaces isoleucine, which is neutral and non-polar, with valine, which is neutral and non-polar, at codon 305 of the SYNE1 protein (p.Ile305Val).

NM_182961.4(SYNE1):c.892A>G (p.Ile298Val)

Gene: SYNE1 (spectrin repeat containing nuclear envelope protein 1; minus strand). Cytogenetic location: 6q25.2.
Variant type: single nucleotide variant.
Coding change: c.892A>G on transcript NM_182961.4 (MANE Select); coding-DNA position 892, A replaced by G.
Protein change: p.Ile298Val; replaces isoleucine 298 with valine.
Molecular consequence: missense variant.
Genome position (GRCh38, 1-based): chr6:152,498,789, T>C on the plus strand (A>G on the coding strand, the complement: SYNE1 is on the minus strand). VCF-style: chr6-152498789-T-C. GRCh37 (hg19) VCF-style: chr6-152819924-T-C.
Other names: c.913A>G, p.Ile305Val (NM_033071.5); short protein forms I305V, I298V.
Identifiers: ClinVar variation 1443911 (VCV001443911.8), dbSNP rs2154319036, ClinGen allele CA366147430.